The following is an entry in ClinVar:

ClinVar aggregate classification (germline): Uncertain significance (1 of 4 stars; one submission).

Allele frequency attached by ClinVar (database versions not stated): gnomAD exomes 0.00002; TOPMed 0.00003; gnomAD 0.00004.
gnomAD v4.1: 35 of 1,612,824 alleles (0.0022%); highest among the groups gnomAD compares: Non-Finnish European, 0.003%; no homozygotes.

Submission:

GeneDx
Classification: Uncertain significance. Last evaluated: 2022-08-23. Review status: criteria provided, single submitter. Criteria: GeneDx Variant Classification Process June 2021. Collection method: clinical testing. Allele origin: germline. Affected: yes.
Comment: Not observed at significant frequency in large population cohorts (gnomAD); In silico analysis supports that this missense variant has a deleterious effect on protein structure/function; Has not been previously published as pathogenic or benign to our knowledge

NM_001384140.1(PCDH15):c.458A>G (p.Tyr153Cys)

Gene: PCDH15 (protocadherin related 15; minus strand). Cytogenetic location: 10q21.1.
Variant type: single nucleotide variant.
Coding change: c.458A>G on transcript NM_001384140.1 (MANE Select); coding-DNA position 458, A replaced by G.
Protein change: p.Tyr153Cys; replaces tyrosine 153 with cysteine.
Molecular consequence: missense variant.
Genome position (GRCh38, 1-based): chr10:54,369,136, T>C on the plus strand (A>G on the coding strand, the complement: PCDH15 is on the minus strand). VCF-style: chr10-54369136-T-C. GRCh37 (hg19) VCF-style: chr10-56128896-T-C.
Other names: c.473A>G, p.Tyr158Cys (NM_001142763.2, NM_001142769.4, NM_001142771.2); c.458A>G, p.Tyr153Cys (NM_001142764.2, NM_001142765.2, NM_001142766.2 and 8 more transcripts); c.392A>G, p.Tyr131Cys (NM_001142768.2, NM_001142773.2, NM_001354404.2); short protein forms Y131C, Y153C, Y158C.
Identifiers: ClinVar variation 2430796 (VCV002430796.1), dbSNP rs200597173, ClinGen allele CA207587188.